The following is an entry in ClinVar:

ClinVar aggregate classification (germline): Uncertain significance (1 of 4 stars; one submission).

Submission:

GeneDx
Classification: Uncertain significance. Last evaluated: 2020-10-12. Review status: criteria provided, single submitter. Criteria: GeneDx Variant Classification Process June 2021. Collection method: clinical testing. Allele origin: germline. Affected: yes.
Comment: Not observed in large population cohorts (Lek et al., 2016); Frameshift variant predicted to result in protein truncation or nonsense mediated decay in a gene for which loss-of-function is not a known mechanism of disease; Has not been previously published as pathogenic or benign to our knowledge

NM_001128840.3(CACNA1D):c.3317del (p.Leu1106fs)

Gene: CACNA1D (calcium voltage-gated channel subunit alpha1 D; plus strand). Cytogenetic location: 3p21.1.
Variant type: Deletion.
Coding change: c.3317del on transcript NM_001128840.3 (MANE Select); coding-DNA position 3317, one base deleted (T; older notation c.3317delT).
Protein change: p.Leu1106fs; shifts the reading frame from leucine 1106.
Molecular consequence: frameshift variant.
Genome position (GRCh38, 1-based): chr3:53,749,270, T deleted; the last of 2 consecutive T bases (chr3:53,749,269-53,749,270); deleting either gives the same sequence. VCF-style (leftmost placement, unchanged base first): chr3-53749268-GT-G. GRCh37 (hg19) VCF-style: chr3-53783295-GT-G.
Other names: c.3377del, p.Leu1126fs (NM_000720.4); c.3317del, p.Leu1106fs (NM_001128839.3); short protein forms L1106fs, L1126fs.
Identifiers: ClinVar variation 1313231 (VCV001313231.2), dbSNP rs2108864746, ClinGen allele CA2573052227.